The following is an entry in ClinVar:

NM_001288705.3(CSF1R):c.1765G>A (p.Gly589Arg)

Gene: CSF1R (colony stimulating factor 1 receptor; minus strand). Cytogenetic location: 5q32.
Variant type: single nucleotide variant.
Coding change: c.1765G>A on transcript NM_001288705.3 (MANE Select); coding-DNA position 1765, G replaced by A.
Protein change: p.Gly589Arg; replaces glycine 589 with arginine.
Molecular consequence: missense variant. On other transcripts: non-coding transcript variant (2).
Genome position (GRCh38, 1-based): chr5:150,061,584, C>T on the plus strand (G>A on the coding strand, the complement: CSF1R is on the minus strand). VCF-style: chr5-150061584-C-T. GRCh37 (hg19) VCF-style: chr5-149441147-C-T.
Other names: c.1765G>A, p.Gly589Arg (NM_001349736.2, NM_001375320.1, NM_005211.4); c.1321G>A, p.Gly441Arg (NM_001375321.1); short protein forms G441R, G589R.
Identifiers: ClinVar variation 973001 (VCV000973001.14), dbSNP rs1757529135, ClinGen allele CA361714182.

ClinVar aggregate classification (germline): Pathogenic/Likely pathogenic. Review status: criteria provided, multiple submitters, no conflicts (2 of 4 stars). 4 submissions from 4 submitters: Pathogenic (2); Likely pathogenic (1). 1 of the submissions does not count toward it. Last evaluated 2025-11-20.

Conditions:
Leukoencephalopathy, diffuse hereditary, with spheroids 1 (HDLS1). Also called: CSF1R-related adult-onset leukoencephalopathy with axonal spheroids and pigmented glia; DEMENTIA, FAMILIAL, NEUMANN TYPE; SUBCORTICAL GLIOSIS OF NEUMANN. Identifiers: Orphanet 313808, MedGen C5561929, MONDO:0800027, OMIM 221820.
Hereditary diffuse leukoencephalopathy with spheroids. Also called: LEUKOENCEPHALOPATHY, ADULT-ONSET, WITH AXONAL SPHEROIDS AND PIGMENTED GLIA. Identifiers: Orphanet 313808, MedGen C3711381, MONDO:0030796.
CSF1R-related disorder. Also called: CSF1R-related condition. Identifiers: MedGen CN379780, MONDO:0100632.

Submissions (4):

GeneDx
Classification: Pathogenic. Last evaluated: 2025-11-20. Review status: criteria provided, single submitter. Criteria: GeneDx Variant Classification Process June 2021. Collection method: clinical testing. Allele origin: germline. Affected: yes.
Comment: Published functional studies demonstrate a damaging effect with an inability to phosphorylate the Tyr546, Tyr699, Tyr723, and Tyr923 residues within CSF1R upon CSF1 stimulation (PMID: 34652888); In silico analysis supports that this missense variant has a deleterious effect on protein structure/function; Not observed at significant frequency in large population cohorts (gnomAD); This variant is associated with the following publications: (PMID: 28824062, 29122458, 34541732, 32276111, 28843019, 27633805, 28025469, 31872055, 36980326, 36943150, 34652888, 27680516, 22197934, 33084218, 39280886, 39957072, 40503581, 40443872)

Labcorp Genetics (formerly Invitae), Labcorp
Classification: Pathogenic. Last evaluated: 2025-07-21. Review status: criteria provided, single submitter. Criteria: Invitae Variant Classification Sherloc (09022015). Collection method: clinical testing. Allele origin: germline.
Comment: This sequence change replaces glycine, which is neutral and non-polar, with arginine, which is basic and polar, at codon 589 of the CSF1R protein (p.Gly589Arg). This variant is not present in population databases (gnomAD no frequency). This missense change has been observed in individuals with hereditary diffuse leukoencephalopathy with spheroids (PMID: 27680516, 28025469, 28824062, 31872055; external communication). ClinVar contains an entry for this variant (Variation ID: 973001). Invitae Evidence Modeling of protein sequence and biophysical properties (such as structural, functional, and spatial information, amino acid conservation, physicochemical variation, residue mobility, and thermodynamic stability) has been performed for this missense variant. However, the output from this modeling did not meet the statistical confidence thresholds required to predict the impact of this variant on CSF1R protein function. Algorithms developed to predict the effect of sequence changes on RNA splicing suggest that this variant may disrupt the consensus splice site. This variant disrupts the p.Gly589 amino acid residue in CSF1R. Other variant(s) that disrupt this residue have been determined to be pathogenic (PMID: 22197934, 30528841). This suggests that this residue is clinically significant, and that variants that disrupt this residue are likely to be disease-causing. For these reasons, this variant has been classified as Pathogenic.

3billion
Classification: Likely pathogenic for Leukoencephalopathy, diffuse hereditary, with spheroids 1. Last evaluated: 2023-02-23. Review status: criteria provided, single submitter. Criteria: ACMG Guidelines, 2015. Collection method: clinical testing. Allele origin: unknown. Affected: yes.
Comment: The variant is not observed in the gnomAD v2.1.1 dataset. The variant is located in a mutational hot spot and/or well-established functional domain in which established pathogenic variants have been reported. Missense changes are a common disease-causing mechanism. In silico tool predictions suggest damaging effect of the variant on gene or gene product (REVEL: 0.94; 3Cnet: 0.13). Same nucleotide change resulting in same amino acid change has been previously reported to be associated with CSF1R related disorder (ClinVar ID: VCV000973001 / PMID: 27680516). The variant has been observed in at least two similarly affected unrelated individuals (PMID: 28824062, 28843019). A different missense change at the same codon (p.Gly589Glu) has been reported to be associated with CSF1R related disorder (ClinVar ID: VCV000038373 / PMID: 22197934). Therefore, this variant is classified as Likely pathogenic according to the recommendation of ACMG/AMP guideline.

PreventionGenetics, part of Exact Sciences
Classification: Likely pathogenic for CSF1R-related condition. Last evaluated: 2024-09-04. Review status: no assertion criteria provided. Collection method: clinical testing. Allele origin: germline. Not counted in ClinVar's aggregate classification.
Comment: The CSF1R c.1765G>A variant is predicted to result in the amino acid substitution p.Gly589Arg. This variant has been reported in the heterozygous state in patients with adult-onset leukoencephalopathy with axonal spheroids and pigmented glia (Konno et al. 2017. PubMed ID:27680516; Daida et al. 2017. PubMed ID: 28824062; Abe et al. 2017. PubMed ID: 28025469). Of note, other different missense variants, affecting the same amino acid residue (c.1766G>A, p.Gly589Glu; c.1765G>C, p.Gly589Arg), have also been reported to be pathogenic (Konno et al. 2017. PubMed ID:27680516; Konno et al. 2017. PubMed ID: 28843019; HGMD database). To our knowledge, this variant has not been reported in the literature or in a large population database, indicating this variant is rare. This variant is interpreted as likely pathogenic.

Literature cited by the submitters: PubMed 27680516 (cited by Labcorp Genetics (formerly Invitae), Labcorp and 3billion); PubMed 28025469 (cited by Labcorp Genetics (formerly Invitae), Labcorp); PubMed 28824062 (cited by Labcorp Genetics (formerly Invitae), Labcorp and 3billion); PubMed 31872055 (cited by Labcorp Genetics (formerly Invitae), Labcorp); PubMed 22197934 (cited by Labcorp Genetics (formerly Invitae), Labcorp and 3billion); PubMed 30528841 (cited by Labcorp Genetics (formerly Invitae), Labcorp); PubMed 28843019 (cited by 3billion).